The following is an entry in ClinVar:

ClinVar aggregate classification (germline): Uncertain significance. Review status: criteria provided, multiple submitters, no conflicts (2 of 4 stars). 3 submissions from 3 submitters: Uncertain significance (3). Last evaluated 2025-11-03.

Conditions:
Seizures, benign familial infantile, 3 (BFIS3). Also called: Familial neonatal seizures; CONVULSIONS, BENIGN FAMILIAL INFANTILE, 3. Identifiers: Orphanet 140927, Orphanet 306, MedGen C1843140, MONDO:0011904, OMIM 607745.
Developmental and epileptic encephalopathy, 11 (DEE11). Also called: Early infantile epileptic encephalopathy 11. Identifiers: Orphanet 1934, MedGen C3150987, MONDO:0013388, OMIM 613721.
Inborn genetic diseases. Identifiers: MedGen C0950123, MeSH D030342.

Allele frequency attached by ClinVar (database versions not stated): gnomAD exomes below 0.00001 and 0.00003; ExAC 0.00001; gnomAD 0.00001.
gnomAD v4.1: 48 of 1,613,932 alleles (0.003%); highest among the groups gnomAD compares: Non-Finnish European, 0.004%; no homozygotes.

Submissions (3):

Labcorp Genetics (formerly Invitae), Labcorp
Classification: Uncertain significance for Seizures, benign familial infantile, 3; Developmental and epileptic encephalopathy, 11. Last evaluated: 2025-11-03. Review status: criteria provided, single submitter. Criteria: Invitae Variant Classification Sherloc (09022015). Collection method: clinical testing. Allele origin: germline.
Comment: This sequence change replaces lysine, which is basic and polar, with asparagine, which is neutral and polar, at codon 1804 of the SCN2A protein (p.Lys1804Asn). This variant is present in population databases (rs759697991, gnomAD 0.0009%). This variant has not been reported in the literature in individuals affected with SCN2A-related conditions. ClinVar contains an entry for this variant (Variation ID: 654341). Invitae Evidence Modeling of protein sequence and biophysical properties (such as structural, functional, and spatial information, amino acid conservation, physicochemical variation, residue mobility, and thermodynamic stability) indicates that this missense variant is expected to disrupt SCN2A protein function with a positive predictive value of 95%. In summary, the available evidence is currently insufficient to determine the role of this variant in disease. Therefore, it has been classified as a Variant of Uncertain Significance.

Ambry Genetics
Classification: Uncertain significance for Inborn genetic diseases. Last evaluated: 2024-09-09. Review status: criteria provided, single submitter. Criteria: Ambry Variant Classification Scheme 2023. Collection method: clinical testing. Allele origin: germline.

Revvity Omics, Revvity
Classification: Uncertain significance. Last evaluated: 2021-03-26. Review status: criteria provided, single submitter. Criteria: ACMG Guidelines, 2015. Collection method: clinical testing. Allele origin: germline.

NM_001040142.2(SCN2A):c.5412G>T (p.Lys1804Asn)

Gene: SCN2A (sodium voltage-gated channel alpha subunit 2; plus strand). Cytogenetic location: 2q24.3.
Variant type: single nucleotide variant.
Coding change: c.5412G>T on transcript NM_001040142.2 (MANE Select); coding-DNA position 5412, G replaced by T.
Protein change: p.Lys1804Asn; replaces lysine 1804 with asparagine.
Molecular consequence: missense variant.
Genome position (GRCh38, 1-based): chr2:165,389,218, G>T. VCF-style: chr2-165389218-G-T. GRCh37 (hg19) VCF-style: chr2-166245728-G-T.
Other names: c.5412G>T, p.Lys1804Asn (NM_001040143.2, NM_001371246.1, NM_001371247.1 and 1 more transcripts); short protein forms K1804N.
Identifiers: ClinVar variation 654341 (VCV000654341.11), dbSNP rs759697991, ClinGen allele CA1940389.
Genomic context (GRCh38, chr2:165,389,218, plus strand): 5'-AGAAAGTGCAGAGCCTCTGAGTGAGGATGACTTTGAGATGTTCTATGAGGTTTGGGAGAA[G>T]TTTGATCCCGATGCGACCCAGTTTATAGAGTTTGCCAAACTTTCTGATTTTGCAGATGCC-3'
Protein context (NP_001035232.1, residues 1794-1814): DFEMFYEVWE[Lys1804Asn]FDPDATQFIE